The following is an entry in ClinVar:

ClinVar aggregate classification (germline): Benign/Likely benign. Review status: criteria provided, multiple submitters, no conflicts (2 of 4 stars). 3 submissions from 3 submitters: Benign (1); Likely benign (2). Last evaluated 2026-01-13.

Conditions:
Neuropathy, hereditary motor and sensory, type 6B (HMSN6B). Also called: NEUROPATHY, HEREDITARY MOTOR AND SENSORY, TYPE VIB, WITH OPTIC ATROPHY; HMSN VIB; CHARCOT-MARIE-TOOTH DISEASE, TYPE 6B; Neuropathy, hereditary motor and sensory, type VIB. Identifiers: MedGen C4225302, MONDO:0014671, OMIM 616505.

Submissions (3):

Labcorp Genetics (formerly Invitae), Labcorp
Classification: Benign for Neuropathy, hereditary motor and sensory, type 6B. Last evaluated: 2026-01-13. Review status: criteria provided, single submitter. Criteria: Invitae Variant Classification Sherloc (09022015). Collection method: clinical testing. Allele origin: germline.

Mayo Clinic Laboratories, Mayo Clinic
Classification: Likely benign. Last evaluated: 2025-02-25. Review status: criteria provided, single submitter. Criteria: ACMG Guidelines, 2015. Collection method: clinical testing. Allele origin: germline. Observed: 3 variant alleles.
Comment: BS1, BP4, BP7

Blueprint Genetics
Classification: Likely benign. Last evaluated: 2024-08-06. Review status: criteria provided, single submitter. Criteria: ACMG Guidelines, 2015. Collection method: clinical testing. Allele origin: germline.

NM_138773.4(SLC25A46):c.678+14dup

Gene: SLC25A46 (solute carrier family 25 member 46; plus strand). Cytogenetic location: 5q22.1.
Variant type: Duplication.
Coding change: c.678+14dup on transcript NM_138773.4 (MANE Select); 14 bases into the intron after coding-DNA position 678, one base duplicated (T; older notation c.678+14dupT).
Molecular consequence: intron variant.
Genome position (GRCh38, 1-based): chr5:110,756,773, T duplicated; the last of 8 consecutive T bases (chr5:110,756,766-110,756,773); duplicating any one gives the same sequence. VCF-style (leftmost placement, unchanged base first): chr5-110756765-C-CT. GRCh37 (hg19) VCF-style: chr5-110092465-C-CT.
Other names: p.?; c.405+14dup (NM_001303250.3); c.678+14dup (NM_001303249.3).
Identifiers: ClinVar variation 703123 (VCV000703123.13), dbSNP rs539229853, ClinGen allele CA3364688.
Genomic context (GRCh38, chr5:110,756,765, plus strand): 5'-AACTTACGTGGTGGCAATGCCTTTTTATTCAGCAAGTCTGATTGAAACAGTGCAGGTGAG[C>CT]TTTTTTTTACTGTCATTTTTTTTTTATTTAAGAATAGTTTTTTGACTATTCAGTATATTG-3'